The following is an entry in ClinVar:

NC_000003.11:g.(?_149563814)_(149619969_?)del

Gene: RNF13 (ring finger protein 13; plus strand). Cytogenetic location: 3q25.1.
Variant type: Deletion.
Identifiers: ClinVar variation 1411627 (VCV001411627.4).

ClinVar aggregate classification (germline): Uncertain significance (1 of 4 stars; one submission).

Submission:

Labcorp Genetics (formerly Invitae), Labcorp
Classification: Uncertain significance. Last evaluated: 2023-07-17. Review status: criteria provided, single submitter. Criteria: Invitae Variant Classification Sherloc (09022015). Collection method: clinical testing. Allele origin: germline.
Comment: This variant is a gross deletion of the genomic region encompassing exon(s) 3-7 of the RNF13 gene, which includes the initiator codon. This deletion extends beyond the assayed region for this gene and therefore may encompass additional genes. It is expected to result in an absent or disrupted protein product. However, the current clinical and genetic evidence is not sufficient to establish whether loss-of-function variants in RNF13 cause disease. This variant has not been reported in the literature in individuals affected with RNF13-related conditions. In summary, the available evidence is currently insufficient to determine the role of this variant in disease. Therefore, it has been classified as a Variant of Uncertain Significance.